The following is an entry in ClinVar:

NM_024675.4(PALB2):c.3383C>G (p.Ala1128Gly)

Gene: PALB2 (partner and localizer of BRCA2; minus strand). Cytogenetic location: 16p12.2.
Variant type: single nucleotide variant.
Coding change: c.3383C>G on transcript NM_024675.4 (MANE Select); coding-DNA position 3383, C replaced by G.
Protein change: p.Ala1128Gly; replaces alanine 1128 with glycine.
Molecular consequence: missense variant.
Genome position (GRCh38, 1-based): chr16:23,603,637, G>C on the plus strand (C>G on the coding strand, the complement: PALB2 is on the minus strand). VCF-style: chr16-23603637-G-C. GRCh37 (hg19) VCF-style: chr16-23614958-G-C.
Other names: short protein forms A1128G.
Identifiers: ClinVar variation 845423 (VCV000845423.10), dbSNP rs1966404870, ClinGen allele CA395138286.

ClinVar aggregate classification (germline): Uncertain significance (1 of 4 stars; one submission).

Conditions:
Familial cancer of breast. Also called: hereditary breast carcinoma; Hereditary breast cancer; BREAST CANCER, FAMILIAL. Identifiers: Orphanet 227535, MedGen C0346153, MONDO:0016419, OMIM 114480. Disease mechanism: loss of function.

Submission:

Labcorp Genetics (formerly Invitae), Labcorp
Classification: Uncertain significance for Familial cancer of breast. Last evaluated: 2024-12-12. Review status: criteria provided, single submitter. Criteria: Invitae Variant Classification Sherloc (09022015). Collection method: clinical testing. Allele origin: germline.
Comment: This sequence change replaces alanine, which is neutral and non-polar, with glycine, which is neutral and non-polar, at codon 1128 of the PALB2 protein (p.Ala1128Gly). This variant is not present in population databases (gnomAD no frequency). This variant has not been reported in the literature in individuals affected with PALB2-related conditions. ClinVar contains an entry for this variant (Variation ID: 845423). An algorithm developed to predict the effect of missense changes on protein structure and function (PolyPhen-2) suggests that this variant is likely to be disruptive. In summary, the available evidence is currently insufficient to determine the role of this variant in disease. Therefore, it has been classified as a Variant of Uncertain Significance.